The following is an entry in ClinVar:

ClinVar aggregate classification (germline): Uncertain significance (1 of 4 stars; one submission).

Conditions:
Hereditary cancer-predisposing syndrome. Also called: Tumor predisposition; Hereditary Cancer Syndrome; Neoplastic Syndromes, Hereditary; Hereditary neoplastic syndrome. Identifiers: Orphanet 140162, MedGen C0027672, MeSH D009386, MONDO:0015356.

gnomAD v4.1: 2 of 1,611,160 alleles (0.00012%); highest among the groups gnomAD compares: South Asian, 0.0022%; no homozygotes.

Submission:

Color Diagnostics, LLC DBA Color Health
Classification: Uncertain significance for Hereditary cancer-predisposing syndrome. Last evaluated: 2025-10-05. Review status: criteria provided, single submitter. Criteria: ACMG Guidelines, 2015. Collection method: clinical testing. Allele origin: germline.
Comment: This missense variant replaces leucine with arginine at codon 1234 of the BRCA2 protein. Computational prediction suggests that this variant may have deleterious impact on protein structure and function. To our knowledge, functional studies have not been reported for this variant. This variant has not been reported in individuals affected with BRCA2-related disorders in the literature. This variant has been identified in 2/1458814 chromosomes in the general population by the Genome Aggregation Database (gnomAD). The available evidence is insufficient to determine the role of this variant in disease conclusively. Therefore, this variant is classified as a Variant of Uncertain Significance.

NM_000059.4(BRCA2):c.3701T>G (p.Leu1234Arg)

Gene: BRCA2 (BRCA2 DNA repair associated; plus strand). Cytogenetic location: 13q13.1.
Variant type: single nucleotide variant.
Coding change: c.3701T>G on transcript NM_000059.4 (MANE Select); coding-DNA position 3701, T replaced by G.
Protein change: p.Leu1234Arg; replaces leucine 1234 with arginine.
Molecular consequence: missense variant. On other transcripts: non-coding transcript variant (1), intron variant (2).
Genome position (GRCh38, 1-based): chr13:32,338,056, T>G. VCF-style: chr13-32338056-T-G. GRCh37 (hg19) VCF-style: chr13-32912193-T-G.
Other names: c.3701T>G, p.Leu1234Arg (NM_001406719.1, NM_001406720.1, NM_001432077.1); c.1909+4669T>G (NM_001406721.1); c.425-6502T>G (NM_001406722.1); short protein forms L1234R.
Identifiers: ClinVar variation 4758178 (VCV004758178.1).